The following is an entry in ClinVar:

NM_024675.4(PALB2):c.2834+1G>A

Gene: PALB2 (partner and localizer of BRCA2; minus strand). Cytogenetic location: 16p12.2.
Variant type: single nucleotide variant.
Coding change: c.2834+1G>A on transcript NM_024675.4 (MANE Select); the canonical splice donor site of the intron after coding-DNA position 2834, G replaced by A.
Molecular consequence: splice donor variant.
Genome position (GRCh38, 1-based): chr16:23,624,008, C>T on the plus strand (G>A on the coding strand, the complement: PALB2 is on the minus strand). VCF-style: chr16-23624008-C-T. GRCh37 (hg19) VCF-style: chr16-23635329-C-T.
Other names: c.1949+1G>A (NM_001407308.1, NM_001407306.1, NM_001407309.1 and 4 more transcripts); c.368+1G>A (NM_001407314.1); c.1046+1G>A (NM_001407313.1, NM_001407312.1); c.2774+1G>A (NM_001407296.1); c.2762+1G>A (NM_001407297.1); c.2672+1G>A (NM_001407302.1, NM_001407298.1); c.2834+1G>A (NM_001407300.1, NM_001407299.1, NM_001407301.1); c.1787+1G>A (NM_001407307.1).
Identifiers: ClinVar variation 182771 (VCV000182771.33), dbSNP rs587776419, ClinGen allele CA299740.

ClinVar aggregate classification (germline): Pathogenic/Likely pathogenic. Review status: criteria provided, multiple submitters, no conflicts (2 of 4 stars). 10 submissions from 10 submitters: Pathogenic (3); Likely pathogenic (7). Last evaluated 2026-09-11.

Conditions:
Pancreatic cancer, susceptibility to, 3. Identifiers: Orphanet 1333, MedGen C3150547, MONDO:0013236, OMIM 613348.
Fanconi anemia complementation group N. Also called: PALB2-Related Fanconi Anemia. Identifiers: Orphanet 84, MedGen C1835817, MONDO:0012565, OMIM 610832. Disease mechanism: loss of function.
Breast-ovarian cancer, familial, susceptibility to, 5 (BROVCA5). Identifiers: MedGen C5830615, MONDO:0957530, OMIM 620442.
Hereditary cancer-predisposing syndrome. Also called: Hereditary neoplastic syndrome; Tumor predisposition; Neoplastic Syndromes, Hereditary; Hereditary Cancer Syndrome. Identifiers: Orphanet 140162, MedGen C0027672, MeSH D009386, MONDO:0015356.
Familial cancer of breast. Also called: hereditary breast carcinoma; Hereditary breast cancer; BREAST CANCER, FAMILIAL. Identifiers: Orphanet 227535, MedGen C0346153, MONDO:0016419, OMIM 114480. Disease mechanism: loss of function.
Malignant tumor of breast. Also called: Malignant breast neoplasm; Cancer breast. Identifiers: MedGen C0006142, MONDO:0007254. Disease mechanism: loss of function.

Submissions (10):

GeneDx
Classification: Likely pathogenic. Last evaluated: 2026-09-11. Review status: criteria provided, single submitter. Criteria: GeneDx Variant Classification Process June 2021. Collection method: clinical testing. Allele origin: germline.
Comment: Canonical splice site variant predicted to result in a null allele in a gene for which loss of function is a known mechanism of disease; Not observed at significant frequency in large population cohorts (gnomAD); This variant is associated with the following publications: (PMID: 31341520, 34846068, 33471991, 30890586, 26681312, 37511102, 30322717, 32339256)

Labcorp Genetics (formerly Invitae), Labcorp
Classification: Pathogenic for Familial cancer of breast. Last evaluated: 2025-10-20. Review status: criteria provided, single submitter. Criteria: Invitae Variant Classification Sherloc (09022015). Collection method: clinical testing. Allele origin: germline.
Comment: This sequence change affects a donor splice site in intron 8 of the PALB2 gene. RNA analysis indicates that disruption of this splice site induces altered splicing and may result in an absent or altered protein product. This variant is not present in population databases (gnomAD no frequency). Disruption of this splice site has been observed in individual(s) with breast cancer (PMID: 26681312; internal data). It has also been observed to segregate with disease in related individuals. This variant is also known as IVS8+1G>A. ClinVar contains an entry for this variant (Variation ID: 182771). Studies have shown that disruption of this splice site results in skipping of exon 8 and/or intronic inclusion, and produces a non-functional protein and/or introduces a premature termination codon (internal data). For these reasons, this variant has been classified as Pathogenic.

Ambry Genetics
Classification: Likely pathogenic for Hereditary cancer-predisposing syndrome. Last evaluated: 2025-05-27. Review status: criteria provided, single submitter. Criteria: Ambry Variant Classification Scheme 2023. Collection method: clinical testing. Allele origin: germline.
Comment: The c.2834+1G>A intronic variant results from a G to A substitution one nucleotide after coding exon 8 of the PALB2 gene. In one study, this variant was reported in 2/60,466 breast cancer cases and in 0/53,461 controls (Dorling et al. N Engl J Med. 2021 02;384:428-439). This alteration was identified in 1/10030 consecutive patients referred for evaluation by an NGS hereditary cancer panel (Susswein LR et al. Genet Med, 2016 08;18:823-32) and in a cohort of 4439 women with ovarian cancer undergoing multigene panel testing at one laboratory (Carter NJ et al. Gynecol Oncol, 2018 12;151:481-488). In a large Chinese study, this alteration was not identified in 21216 unselected patients with breast cancer and was detected in 1/5890 healthy female controls (Zhou J et al. Cancer, 2020 Jul;126:3202-3208). This variant is considered to be rare based on population cohorts in the Genome Aggregation Database (gnomAD). This nucleotide position is highly conserved in available vertebrate species. In silico splice site analysis predicts that this alteration will weaken the native splice donor site; however, direct evidence is insufficient at this time (Ambry internal data). Alterations that disrupt the canonical splice site are expected to cause aberrant splicing, resulting in an abnormal protein or a transcript that is subject to nonsense-mediated mRNA decay. As such, this alteration is classified as likely pathogenic.

Myriad Genetics, Inc.
Classification: Likely pathogenic for Familial cancer of breast. Last evaluated: 2023-09-13. Review status: criteria provided, single submitter. Criteria: Myriad Autosomal Dominant, Autosomal Recessive and X-Linked Classification Criteria (2023). Collection method: clinical testing. Allele origin: unknown.
Comment: This variant is considered likely pathogenic. This variant occurs within a consensus splice junction and is predicted to result in abnormal mRNA splicing of either an out-of-frame exon or an in-frame exon necessary for protein stability and/or normal function.

Fulgent Genetics
Classification: Pathogenic for Familial cancer of breast; Fanconi anemia complementation group N; Pancreatic cancer, susceptibility to, 3. Last evaluated: 2022-01-20. Review status: criteria provided, single submitter. Criteria: ACMG Guidelines, 2015. Collection method: clinical testing. Allele origin: unknown.

Institute of Human Genetics, University of Leipzig Medical Center
Classification: Pathogenic for Familial cancer of breast. Last evaluated: 2021-12-06. Review status: criteria provided, single submitter. Criteria: ACMG Guidelines, 2015. Collection method: clinical testing. Allele origin: unknown. Affected: yes.
Comment: _x000D_ Criteria applied: PVS1_STR, PM5_STR, PS4_MOD, PM2_SUP

Institute of Medical Genetics and Applied Genomics, University Hospital Tübingen
Classification: Likely pathogenic. Last evaluated: 2020-10-23. Review status: criteria provided, single submitter. Criteria: ACMG Guidelines, 2015. Collection method: clinical testing. Allele origin: germline. Inheritance: Unknown mechanism. Affected: yes.

Color Diagnostics, LLC DBA Color Health
Classification: Likely pathogenic for Hereditary cancer-predisposing syndrome. Last evaluated: 2020-02-04. Review status: criteria provided, single submitter. Criteria: ACMG Guidelines, 2015. Collection method: clinical testing. Allele origin: germline.
Comment: This variant causes a G>A nucleotide substitution at the +1 position of intron 8 of the PALB2 gene. Splice site prediction tools suggest that this variant may have a significant impact on RNA splicing. Although this prediction has not been confirmed in published RNA studies, this variant is expected to result in an absent or disrupted protein product. This variant has been reported in an individual affected with breast cancer (PMID: 26681312). This variant has not been identified in the general population by the Genome Aggregation Database (gnomAD). Loss of PALB2 function is a known mechanism of disease. Based on the available evidence, this variant is classified as Likely Pathogenic.

Department of Pediatrics, University Hospital Center Zagreb
Classification: Likely pathogenic for Breast cancer. Review status: criteria provided, single submitter. Criteria: ACMG Guidelines, 2015. Collection method: clinical testing. Allele origin: unknown. Inheritance: Autosomal dominant inheritance. Affected: yes.

Juno Genomics, Hangzhou Juno Genomics, Inc
Classification: Likely pathogenic for Breast-ovarian cancer, familial, susceptibility to, 5; Pancreatic cancer, susceptibility to, 3; Fanconi anemia complementation group N. Review status: criteria provided, single submitter. Criteria: ACMG Guidelines, 2015. Collection method: clinical testing. Allele origin: germline.
Comment: Null variant in a gene where loss of function (LOF) is a known mechanism of disease.;Absent from controls (or at extremely low frequency if recessive) in Genome Aggregation Database.

Literature cited by the submitters: PubMed 26681312 (cited by Labcorp Genetics (formerly Invitae), Labcorp and Ambry Genetics); PubMed 30322717 (cited by Ambry Genetics); PubMed 32339256 (cited by Ambry Genetics); PubMed 33471991 (cited by Ambry Genetics).